The following is an entry in ClinVar:

ClinVar aggregate classification (germline): Uncertain significance. Review status: criteria provided, multiple submitters, no conflicts (2 of 4 stars). 3 submissions from 3 submitters: Uncertain significance (3). Last evaluated 2025-07-20.
ClinVar aggregate classification (oncogenicity): Oncogenic (1 of 4 stars; one submission).

Conditions:
STAT3 gain of function. Identifiers: MedGen C4288261.
Hyper-IgE recurrent infection syndrome 1, autosomal dominant. Also called: JOB SYNDROME; Hyper-IgE recurrent infection syndrome 1; STAT3 Hyper IgE Syndrome; HYPER-IgE SYNDROME 1, AUTOSOMAL DOMINANT, WITH RECURRENT INFECTIONS; Job's Syndrome. Identifiers: Orphanet 2314, MedGen C2936739, MONDO:0007818, OMIM 147060.
STAT3-related early-onset multisystem autoimmune disease. Also called: Autoimmune disease, multisystem, infantile-onset, 1. Identifiers: Orphanet 438159, MedGen C4014795, MONDO:0014414, OMIM 615952.
Neoplasm. Also called: Neoplasms; Neoplasm (disease); tumor. Identifiers: MedGen C0027651, MeSH D009369, MONDO:0005070, HP:0002664.

Submissions (4):

Center for Genomic Medicine, Rigshospitalet, Copenhagen University Hospital
Classification: Oncogenic for Neoplasm. Last evaluated: 2025-12-29. Review status: criteria provided, single submitter. Criteria: ClinGen/CGC/VICC Guidelines for Oncogenicity, 2022. Collection method: clinical testing. Allele origin: somatic. Affected: yes.

Labcorp Genetics (formerly Invitae), Labcorp
Classification: Uncertain significance for STAT3 gain of function; Hyper-IgE recurrent infection syndrome 1, autosomal dominant. Last evaluated: 2025-07-20. Review status: criteria provided, single submitter. Criteria: Invitae Variant Classification Sherloc (09022015). Collection method: clinical testing. Allele origin: germline.
Comment: This sequence change replaces serine, which is neutral and polar, with arginine, which is basic and polar, at codon 614 of the STAT3 protein (p.Ser614Arg). This variant is not present in population databases (gnomAD no frequency). This variant has not been reported in the literature in individuals affected with STAT3-related conditions. ClinVar contains an entry for this variant (Variation ID: 1192237). Invitae Evidence Modeling of protein sequence and biophysical properties (such as structural, functional, and spatial information, amino acid conservation, physicochemical variation, residue mobility, and thermodynamic stability) indicates that this missense variant is not expected to disrupt STAT3 protein function with a negative predictive value of 80%. Experimental studies have shown that this missense change affects STAT3 function (PMID: 25586472). In summary, the available evidence is currently insufficient to determine the role of this variant in disease. Therefore, it has been classified as a Variant of Uncertain Significance.

Fulgent Genetics
Classification: Uncertain significance for Hyper-IgE recurrent infection syndrome 1, autosomal dominant; STAT3-related early-onset multisystem autoimmune disease. Last evaluated: 2024-04-26. Review status: criteria provided, single submitter. Criteria: ACMG Guidelines, 2015. Collection method: clinical testing. Allele origin: germline.

Women's Health and Genetics/Laboratory Corporation of America, LabCorp
Classification: Uncertain significance. Last evaluated: 2021-07-25. Review status: criteria provided, single submitter. Criteria: LabCorp Variant Classification Summary - May 2015. Collection method: clinical testing. Allele origin: germline.
Comment: Variant summary: STAT3 c.1840A>C (p.Ser614Arg) results in a non-conservative amino acid change located in the SH2 domain (IPR000980) of the encoded protein sequence. Four of five in-silico tools predict a damaging effect of the variant on protein function. The variant was absent in 251452 control chromosomes (gnomAD). The available data on variant occurrences in the general population are insufficient to allow any conclusion about variant significance. To our knowledge, no occurrences of c.1840A>C have been reported in individuals affected with Hyper IgE Syndrome. However, it has been reported in various types of cancers including but not limited to peripheral T-Cell Lymphoma, anaplastic large cell lymphoma, chronic lymphoproliferative disorders of NK cells (CLPD-NKs) and T-cell large granular lymphocytic leukemia (T-LGL), Plasmablastic lymphoma (example: Abate_2016, Blombery_2016, Jerez_STAT3_LN_2012, Liu_STAT3_BCD_2020). The variant has also been reported in patients affected with Coeliac Disease(CeD)-Enteropathy-associated T-cell lymphoma (EATL) and Type II refractory celiac disease (Cording_2020). Several somatic occurrences of the variant have also been reported in the literature. (example: PMID: 24283217, 24345752, 25586472, 26192917, 27859003). It is not clear, whether the gain-of-function activity observed in such incidences would support a pathogenic role in Hyper IgE Syndrome as a germline variant. No clinical diagnostic laboratories have submitted clinical-significance assessments for this variant to ClinVar after 2014. Different variants affecting the same and nearby codons (example: p.S614G, p.S611I, p.K615E, p.G617E) have been reported in the HGMD database associated with Hyper-IgE syndrome/STAT3 deficiency, suggesting this region may be clinically significant. Based on the evidence outlined above, the variant was classified as uncertain significance for Hyper IgE Syndrome until additional information becomes available to determine its role in the Hyper IgE syndrome.

Literature cited by the submitters: PubMed 25586472 (cited by Center for Genomic Medicine, Rigshospitalet, Copenhagen University Hospital and Labcorp Genetics (formerly Invitae), Labcorp); PubMed 22859607 (cited by Women's Health and Genetics/Laboratory Corporation of America, LabCorp); PubMed 27345172 (cited by Women's Health and Genetics/Laboratory Corporation of America, LabCorp); PubMed 33579790 (cited by Women's Health and Genetics/Laboratory Corporation of America, LabCorp); PubMed 28062691 (cited by Women's Health and Genetics/Laboratory Corporation of America, LabCorp); PubMed 32188095 (cited by Women's Health and Genetics/Laboratory Corporation of America, LabCorp); PubMed 27198716 (cited by Women's Health and Genetics/Laboratory Corporation of America, LabCorp); PubMed 33225311 (cited by Women's Health and Genetics/Laboratory Corporation of America, LabCorp).

NM_139276.3(STAT3):c.1840A>C (p.Ser614Arg)

Gene: STAT3 (signal transducer and activator of transcription 3; minus strand). Cytogenetic location: 17q21.2.
Variant type: single nucleotide variant.
Coding change: c.1840A>C on transcript NM_139276.3 (MANE Select); coding-DNA position 1840, A replaced by C.
Protein change: p.Ser614Arg; replaces serine 614 with arginine.
Molecular consequence: missense variant.
Genome position (GRCh38, 1-based): chr17:42,323,052, T>G on the plus strand (A>C on the coding strand, the complement: STAT3 is on the minus strand). VCF-style: chr17-42323052-T-G. GRCh37 (hg19) VCF-style: chr17-40475070-T-G.
Other names: c.1840A>C, p.Ser614Arg (NM_001369512.1, NM_001369513.1, NM_001369514.1 and 9 more transcripts); c.1756A>C, p.Ser586Arg (NM_001384984.1); c.1762A>C, p.Ser588Arg (NM_001384985.1); c.1855A>C, p.Ser619Arg (NM_001384986.1, NM_001384990.1); c.1819A>C, p.Ser607Arg (NM_001384987.1); c.1744A>C, p.Ser582Arg (NM_001384989.1); c.1813A>C, p.Ser605Arg (NM_001384991.1); c.1780A>C, p.Ser594Arg (NM_001384992.1); short protein forms S582R, S586R, S588R, S594R, S605R, S607R, S614R, S619R.
Identifiers: ClinVar variation 1192237 (VCV001192237.6), dbSNP rs886039546, ClinGen allele CA399582876.